The following is an entry in ClinVar:

ClinVar aggregate classification (germline): Uncertain significance (1 of 4 stars; one submission).

Conditions:
Hereditary cancer-predisposing syndrome. Also called: Neoplastic Syndromes, Hereditary; Tumor predisposition; Hereditary Cancer Syndrome; Hereditary neoplastic syndrome. Identifiers: Orphanet 140162, MedGen C0027672, MeSH D009386, MONDO:0015356.

Submission:

Ambry Genetics
Classification: Uncertain significance for Hereditary cancer-predisposing syndrome. Last evaluated: 2026-03-23. Review status: criteria provided, single submitter. Criteria: Ambry Variant Classification Scheme 2023. Collection method: clinical testing. Allele origin: germline.
Comment: The p.K933N variant (also known as c.2799G>T), located in coding exon 13 of the BLM gene, results from a G to T substitution at nucleotide position 2799. The lysine at codon 933 is replaced by asparagine, an amino acid with similar properties. This amino acid position is conserved. In addition, this alteration is predicted to be tolerated by in silico analysis. Based on the available evidence, the clinical significance of this variant remains unclear.

NM_000057.4(BLM):c.2799G>T (p.Lys933Asn)

Gene: BLM (BLM RecQ like helicase; plus strand). Cytogenetic location: 15q26.1.
Variant type: single nucleotide variant.
Coding change: c.2799G>T on transcript NM_000057.4 (MANE Select); coding-DNA position 2799, G replaced by T.
Protein change: p.Lys933Asn; replaces lysine 933 with asparagine.
Molecular consequence: missense variant.
Genome position (GRCh38, 1-based): chr15:90,785,057, G>T. VCF-style: chr15-90785057-G-T. GRCh37 (hg19) VCF-style: chr15-91328287-G-T.
Other names: c.2799G>T, p.Lys933Asn (NM_001287246.2, NM_001287247.2); c.1674G>T, p.Lys558Asn (NM_001287248.2); short protein forms K558N, K933N.
Identifiers: ClinVar variation 4867477 (VCV004867477.1).
Genomic context (GRCh38, chr15:90,785,057, plus strand): 5'-CGCTGCTCTTGCTTACCATGCTGGCCTCAGTGATTCTGCCAGAGATGAAGTGCAGCAGAA[G>T]TGGATTAATCAGGATGGCTGTCAGGTAACATTTTTAAAGATAAACAAATAATAGAAATAA-3'
Protein context (NP_000048.1, residues 923-943): SDSARDEVQQ[Lys933Asn]WINQDGCQVI